The following is an entry in ClinVar:

ClinVar aggregate classification (germline): Uncertain significance (1 of 4 stars; one submission).

Conditions:
Short-rib thoracic dysplasia 15 with polydactyly (SRTD15). Identifiers: MedGen C4310724, MONDO:0014907, OMIM 617088.

Submission:

Victorian Clinical Genetics Services, Murdoch Childrens Research Institute
Classification: Uncertain significance for Short-rib thoracic dysplasia 15 with polydactyly. Last evaluated: 2021-05-06. Review status: criteria provided, single submitter. Criteria: ACMG Guidelines, 2015. Collection method: clinical testing. Allele origin: germline. Inheritance: Autosomal recessive inheritance. Affected: yes.
Comment: Based on the classification scheme VCGS_Germline_v1.3.4, this variant is classified as 3B-VUS. Following criteria are met: 0102 - Loss of function is a known mechanism of disease in this gene and is associated with short-rib thoracic dysplasia 15 with polydactyly (MIM#617088). (I) 0106 - This gene is associated with autosomal recessive disease. (I) 0115 - Variants in this gene are known to have variable expressivity. Both inter and intra-familial variability have been reported (OMIM). (I) 0212 - Non-canonical splice site variant without proven consequence on splicing (no functional evidence available). (SP) 0251 - This variant is heterozygous. (I) 0301 - Variant is absent from gnomAD (both v2 and v3). (SP) 0508 - In silico predictions for abnormal splicing are inconclusive, however the nucleotide is highly conserved. (I) 0705 - No comparable canonical splice site variants have previous evidence for pathogenicity. (I) 0807 - This variant has no previous evidence of pathogenicity. (I) 0905 - No published segregation evidence has been identified for this variant. (I) 1007 - No published functional evidence has been identified for this variant. (I) 1102 - Strong phenotype match for this individual. (I) Legend: (SP) - Supporting pathogenic, (I) - Information, (SB) - Supporting benign

NM_016008.4(DYNC2LI1):c.127-8A>G

Gene: DYNC2LI1 (dynein cytoplasmic 2 light intermediate chain 1; plus strand). Cytogenetic location: 2p21.
Variant type: single nucleotide variant.
Coding change: c.127-8A>G on transcript NM_016008.4 (MANE Select); 8 bases into the intron before coding-DNA position 127, A replaced by G.
Molecular consequence: intron variant.
Genome position (GRCh38, 1-based): chr2:43,783,512, A>G. VCF-style: chr2-43783512-A-G. GRCh37 (hg19) VCF-style: chr2-44010651-A-G.
Other names: c.127-8A>G (NM_001348913.2, NM_001348912.2, NM_001193464.2 and 1 more transcripts).
Identifiers: ClinVar variation 1806344 (VCV001806344.1), dbSNP rs2467030446, ClinGen allele CA1139771230.